The following is an entry in ClinVar:

NM_000466.3(PEX1):c.640C>T (p.Gln214Ter)

Gene: PEX1 (peroxisomal biogenesis factor 1; minus strand). Cytogenetic location: 7q21.2.
Variant type: single nucleotide variant.
Coding change: c.640C>T on transcript NM_000466.3 (MANE Select); coding-DNA position 640, C replaced by T.
Protein change: p.Gln214Ter; replaces glutamine 214 with a stop codon.
Molecular consequence: nonsense.
Genome position (GRCh38, 1-based): chr7:92,517,875, G>A on the plus strand (C>T on the coding strand, the complement: PEX1 is on the minus strand). VCF-style: chr7-92517875-G-A. GRCh37 (hg19) VCF-style: chr7-92147189-G-A.
Other names: c.640C>T, p.Gln214Ter (NM_001282677.2); c.16C>T, p.Gln6Ter (NM_001282678.2); short protein forms Q214*, Q6*.
Identifiers: ClinVar variation 4059560 (VCV004059560.2).

ClinVar aggregate classification (germline): Likely pathogenic (1 of 4 stars; one submission).

Conditions:
Zellweger spectrum disorders (ZS). Also called: Zellweger syndrome; Zellweger Spectrum Disorder; Zellweger Spectrum; Zellweger Spectrum Disorder (ZSD). Identifiers: Orphanet 912, MedGen C0043459, MONDO:0019609.

Submission:

Natera, Inc.
Classification: Likely pathogenic for Zellweger syndrome. Last evaluated: 2025-02-11. Review status: criteria provided, single submitter. Criteria: Natera Variant Classification Schema (03/2026). Collection method: clinical testing. Allele origin: germline.
Comment: The c.640C>T variant in PEX1 is a nonsense variant predicted to introduce a stop codon at amino acid 214. This variant is expected to result in nonsense mediated decay, truncation, or a dysfunctional protein product. This variant is rare in the general population with a frequency below the threshold expected for the associated phenotype(s). Given the available evidence, this variant is classified as Likely Pathogenic.